The following is an entry in ClinVar:

NM_145331.3(MAP3K7):c.1351G>A (p.Gly451Ser)

Gene: MAP3K7 (mitogen-activated protein kinase kinase kinase 7; minus strand). Cytogenetic location: 6q15.
Variant type: single nucleotide variant.
Coding change: c.1351G>A on transcript NM_145331.3 (MANE Select); coding-DNA position 1351, G replaced by A.
Protein change: p.Gly451Ser; replaces glycine 451 with serine.
Molecular consequence: missense variant.
Genome position (GRCh38, 1-based): chr6:90,536,342, C>T on the plus strand (G>A on the coding strand, the complement: MAP3K7 is on the minus strand). VCF-style: chr6-90536342-C-T. GRCh37 (hg19) VCF-style: chr6-91246061-C-T.
Other names: c.1351G>A (NM_145331.1); c.1270G>A, p.Gly424Ser (NM_003188.4, NM_145333.3); c.1351G>A, p.Gly451Ser (NM_145332.3); short protein forms G424S, G451S.
Identifiers: ClinVar variation 989284 (VCV000989284.5), dbSNP rs1775677189, ClinGen allele CA365006957.

ClinVar aggregate classification (germline): Uncertain significance. Review status: criteria provided, multiple submitters, no conflicts (2 of 4 stars). 2 submissions from 2 submitters: Uncertain significance (2). Last evaluated 2025-07-15.

Conditions:
Inborn genetic diseases. Identifiers: MedGen C0950123, MeSH D030342.
Frontometaphyseal dysplasia 2 (FMD2). Identifiers: MedGen C4310697, MONDO:0014935, OMIM 617137.

Allele frequency attached by ClinVar (database versions not stated): gnomAD exomes below 0.00001.
gnomAD v4.1: 1 of 1,610,892 alleles (0.000062%); highest among the groups gnomAD compares: East Asian, 0.0022%; no homozygotes.

Submissions (2):

Ambry Genetics
Classification: Uncertain significance for Inborn genetic diseases. Last evaluated: 2025-07-15. Review status: criteria provided, single submitter. Criteria: Ambry Variant Classification Scheme 2023. Collection method: clinical testing. Allele origin: germline.

Illumina Laboratory Services, Illumina
Classification: Uncertain significance for Frontometaphyseal dysplasia 2. Last evaluated: 2019-01-28. Review status: criteria provided, single submitter. Criteria: ICSLVariantClassificationCriteria RUGD 01 April 2020. Collection method: clinical testing. Allele origin: unknown.
Comment: The MAP3K7 c.1351G>A (p.Gly451Ser) variant is a missense variant. A literature search was performed for the gene, cDNA change, and amino acid change. No publications were found based on this search. This variant is not found in the Genome Aggregation Database in a region of good sequence coverage so the variant is presumed to be rare. Based on the limited evidence, the p.Gly451Ser variant is classified as a variant of uncertain significance for frontometaphyseal dysplasia.